The following is an entry in ClinVar:

ClinVar aggregate classification (germline): Uncertain significance (1 of 4 stars; one submission).

Conditions:
Joubert syndrome. Also called: CEREBELLOPARENCHYMAL DISORDER IV; JOUBERT-BOLTSHAUSER SYNDROME; Familial aplasia of the vermis. Identifiers: Orphanet 475, MedGen C5979921, MONDO:0018772.
Meckel-Gruber syndrome. Also called: DYSENCEPHALIA SPLANCHNOCYSTICA; GRUBER SYNDROME; Dysencephalia splachnocystica. Identifiers: Orphanet 564, MedGen C0265215, MONDO:0018921.

Allele frequency attached by ClinVar (database versions not stated): gnomAD exomes below 0.00001; TOPMed below 0.00001; gnomAD 0.00001.
gnomAD v4.1: 5 of 1,612,718 alleles (0.00031%); highest among the groups gnomAD compares: Non-Finnish European, 0.00042%; no homozygotes.

Submission:

Labcorp Genetics (formerly Invitae), Labcorp
Classification: Uncertain significance for Joubert syndrome; Meckel-Gruber syndrome. Last evaluated: 2020-05-27. Review status: criteria provided, single submitter. Criteria: Invitae Variant Classification Sherloc (09022015). Collection method: clinical testing. Allele origin: germline.
Comment: This sequence change replaces glutamine with arginine at codon 1023 of the RPGRIP1L protein (p.Gln1023Arg). The glutamine residue is weakly conserved and there is a small physicochemical difference between glutamine and arginine. This variant is not present in population databases (ExAC no frequency). This variant has not been reported in the literature in individuals with RPGRIP1L-related disease. Algorithms developed to predict the effect of missense changes on protein structure and function output the following: SIFT: "Tolerated"; PolyPhen-2: "Benign"; Align-GVGD: "Class C0". The arginine amino acid residue is found in multiple mammalian species, suggesting that this missense change does not adversely affect protein function. These predictions have not been confirmed by published functional studies and their clinical significance is uncertain. In summary, the available evidence is currently insufficient to determine the role of this variant in disease. Therefore, it has been classified as a Variant of Uncertain Significance.

NM_015272.5(RPGRIP1L):c.3068A>G (p.Gln1023Arg)

Gene: RPGRIP1L (RPGRIP1 like; minus strand). Cytogenetic location: 16q12.2.
Variant type: single nucleotide variant.
Coding change: c.3068A>G on transcript NM_015272.5 (MANE Select); coding-DNA position 3068, A replaced by G.
Protein change: p.Gln1023Arg; replaces glutamine 1023 with arginine.
Molecular consequence: missense variant.
Genome position (GRCh38, 1-based): chr16:53,637,847, T>C on the plus strand (A>G on the coding strand, the complement: RPGRIP1L is on the minus strand). VCF-style: chr16-53637847-T-C. GRCh37 (hg19) VCF-style: chr16-53671759-T-C.
Other names: c.2966A>G, p.Gln989Arg (NM_001127897.4, NM_001330538.2); c.3068A>G, p.Gln1023Arg (NM_001308334.3); short protein forms Q1023R, Q989R.
Identifiers: ClinVar variation 2139107 (VCV002139107.1), dbSNP rs1965940078, ClinGen allele CA395926465.